The following is an entry in ClinVar:

NC_000015.10:g.84816973C>G

Gene: ALPK3 (alpha kinase 3; plus strand). Cytogenetic location: 15q25.3.
Variant type: single nucleotide variant.
Genome position: GRCh38 VCF-style: chr15-84816973-C-G. GRCh37 (hg19) VCF-style: chr15-85360204-C-G.
Identifiers: ClinVar variation 4711664 (VCV004711664.1).

ClinVar aggregate classification (germline): Uncertain significance (1 of 4 stars; one submission).

Submission:

Labcorp Genetics (formerly Invitae), Labcorp
Classification: Uncertain significance. Last evaluated: 2025-02-15. Review status: criteria provided, single submitter. Criteria: Invitae Variant Classification Sherloc (09022015). Collection method: clinical testing. Allele origin: germline.
Comment: This sequence change replaces proline, which is neutral and non-polar, with alanine, which is neutral and non-polar, at codon 43 of the ALPK3 protein (p.Pro43Ala). This variant is not present in population databases (gnomAD no frequency). This variant has not been reported in the literature in individuals affected with ALPK3-related conditions. An algorithm developed to predict the effect of missense changes on protein structure and function (PolyPhen-2) suggests that this variant is likely to be tolerated. In summary, the available evidence is currently insufficient to determine the role of this variant in disease. Therefore, it has been classified as a Variant of Uncertain Significance.